The following is an entry in ClinVar:

NM_177438.3(DICER1):c.2987+3A>G

Gene: DICER1 (dicer 1, ribonuclease III; minus strand). Cytogenetic location: 14q32.13.
Variant type: single nucleotide variant.
Coding change: c.2987+3A>G on transcript NM_177438.3 (MANE Select); 3 bases into the intron after coding-DNA position 2987, A replaced by G.
Molecular consequence: intron variant. On other transcripts: non-coding transcript variant (1).
Genome position (GRCh38, 1-based): chr14:95,106,038, T>C on the plus strand (A>G on the coding strand, the complement: DICER1 is on the minus strand). VCF-style: chr14-95106038-T-C. GRCh37 (hg19) VCF-style: chr14-95572375-T-C.
Other names: c.2987+3A>G (NM_001291628.2, NM_030621.4, NM_001395677.1 and 12 more transcripts); c.2582+3A>G (NM_001395690.1, NM_001395687.1, NM_001395689.1 and 2 more transcripts); c.2705+3A>G (NM_001395686.1); c.2420+3A>G (NM_001395691.1); c.1304+3A>G (NM_001395697.1).
Identifiers: ClinVar variation 4824635 (VCV004824635.1).
Genomic context (GRCh38, chr14:95,106,038, plus strand): 5'-TCTAGTGATGTCTGGTAAGAATCCCTCAAGTGCAATCCAAGTGTCATCTCTGAAGCCCCT[T>C]ACCTTGAAGATGTGTGGTCCACATCCAGCAGTGGCTGGTTGAGATTGGTTAGGTCAAGGT-3'

ClinVar aggregate classification (germline): Uncertain significance (1 of 4 stars; one submission).

Conditions:
Hereditary cancer-predisposing syndrome. Also called: Neoplastic Syndromes, Hereditary; Hereditary neoplastic syndrome; Tumor predisposition; Hereditary Cancer Syndrome. Identifiers: Orphanet 140162, MedGen C0027672, MeSH D009386, MONDO:0015356.

Submission:

Ambry Genetics
Classification: Uncertain significance for Hereditary cancer-predisposing syndrome. Last evaluated: 2026-01-27. Review status: criteria provided, single submitter. Criteria: Ambry Variant Classification Scheme 2023. Collection method: clinical testing. Allele origin: germline.
Comment: The c.2987+3A>G intronic variant results from an A to G substitution 3 nucleotides after coding exon 17 in the DICER1 gene. This nucleotide position is not well conserved in available vertebrate species. In silico splice site analysis predicts that this alteration will not have any significant effect on splicing. Based on the available evidence, the clinical significance of this variant remains unclear.